The following is an entry in ClinVar:

ClinVar aggregate classification (germline): Likely pathogenic (1 of 4 stars; one submission).

Conditions:
Familial cancer of breast. Also called: Hereditary breast cancer; BREAST CANCER, FAMILIAL; hereditary breast carcinoma. Identifiers: Orphanet 227535, MedGen C0346153, MONDO:0016419, OMIM 114480. Disease mechanism: loss of function.

Submission:

Labcorp Genetics (formerly Invitae), Labcorp
Classification: Likely pathogenic for Familial cancer of breast. Last evaluated: 2016-12-22. Review status: criteria provided, single submitter. Criteria: Invitae Variant Classification Sherloc (09022015). Collection method: clinical testing. Allele origin: germline.
Comment: This variant is a gross deletion of the genomic region encompassing exons 8-9 of the CHEK2 gene. This leads to an in-frame deletion, preserving the integrity of the reading frame. Deletion of exons 8-9 has not been reported in the literature in individuals with a CHEK2-related disease. This in-frame deletion (p.Pro283_Gln336del) partially removes the kinase domain (residues 226-486), which is important for normal CHEK2 protein function (PMID: 11733767, 15279791, 19782031). While experimental studies are not available for this particular deletion, this deletion is expected to completely disrupt the hinge region (residues 303-321), which connects two structural lobes required for proper folding of the kinase domain (PMID: 16794575, 19782031). A missense change (p.Gly306Ala) within the deleted region has been shown to affect DNA damage response (PMID: 22419737), suggesting that this deletion may be also deleterious to protein function. In summary, this variant is a novel in-frame deletion that removes a region of CHEK2 important for proper folding and function. This evidence indicates that the variant is pathogenic, but additional data is needed to prove that conclusively. Therefore, this variant has been classified as Likely Pathogenic.

NC_000022.11:g.(?_28699838)_(28703566_?)del

Gene: CHEK2 (checkpoint kinase 2; minus strand). Cytogenetic location: 22q12.1.
Variant type: Deletion.
Identifiers: ClinVar variation 417609 (VCV000417609.2).